The following is an entry in ClinVar:

NM_001367805.3(KIF23):c.2899G>A (p.Ala967Thr)

Gene: KIF23 (kinesin family member 23; plus strand). Cytogenetic location: 15q23.
Variant type: single nucleotide variant.
Coding change: c.2899G>A on transcript NM_001367805.3 (MANE Select); coding-DNA position 2899, G replaced by A.
Protein change: p.Ala967Thr; replaces alanine 967 with threonine.
Molecular consequence: missense variant. On other transcripts: 3 prime UTR variant (1), non-coding transcript variant (2).
Genome position (GRCh38, 1-based): chr15:69,446,931, G>A. VCF-style: chr15-69446931-G-A. GRCh37 (hg19) VCF-style: chr15-69739270-G-A.
Other names: c.2275G>A, p.Ala759Thr (NM_001281301.2); c.*39G>A (NM_001367804.2); c.2545G>A, p.Ala849Thr (NM_004856.7); c.2857G>A, p.Ala953Thr (NM_138555.4); short protein forms A759T, A849T, A953T, A967T.
Identifiers: ClinVar variation 3615996 (VCV003615996.2).

ClinVar aggregate classification (germline): Uncertain significance (1 of 4 stars; one submission).

gnomAD v4.1: 1 of 1,614,070 alleles (0.000062%); highest among the groups gnomAD compares: Middle Eastern, 0.017%; no homozygotes.

Submission:

Labcorp Genetics (formerly Invitae), Labcorp
Classification: Uncertain significance. Last evaluated: 2024-06-06. Review status: criteria provided, single submitter. Criteria: Invitae Variant Classification Sherloc (09022015). Collection method: clinical testing. Allele origin: germline.
Comment: This sequence change replaces alanine, which is neutral and non-polar, with threonine, which is neutral and polar, at codon 953 of the KIF23 protein (p.Ala953Thr). This variant is present in population databases (no rsID available, gnomAD no frequency). This variant has not been reported in the literature in individuals affected with KIF23-related conditions. An algorithm developed to predict the effect of missense changes on protein structure and function (PolyPhen-2) suggests that this variant is likely to be disruptive. In summary, the available evidence is currently insufficient to determine the role of this variant in disease. Therefore, it has been classified as a Variant of Uncertain Significance.